The following is an entry in ClinVar:

NM_025099.6(CTC1):c.*2338T>C

Gene: CTC1 (CST telomere replication complex component 1; minus strand). Cytogenetic location: 17p13.1.
Variant type: single nucleotide variant.
Coding change: c.*2338T>C on transcript NM_025099.6 (MANE Select); 2338 bases downstream of the stop codon, T replaced by C.
Molecular consequence: 3 prime UTR variant. On other transcripts: non-coding transcript variant (1).
Genome position (GRCh38, 1-based): chr17:8,225,842, A>G on the plus strand (T>C on the coding strand, the complement: CTC1 is on the minus strand). VCF-style: chr17-8225842-A-G. GRCh37 (hg19) VCF-style: chr17-8129160-A-G.
Identifiers: ClinVar variation 325991 (VCV000325991.5), dbSNP rs8078338, ClinGen allele CA10650476.

ClinVar aggregate classification (germline): Benign (1 of 4 stars; one submission).

Conditions:
Dyskeratosis congenita. Identifiers: Orphanet 1775, MedGen C0265965, MONDO:0015780.

Allele frequency attached by ClinVar (database versions not stated): 1000 Genomes Project 30x 0.32870; 1000 Genomes Project 0.33307; TOPMed 0.37636; gnomAD 0.40443 and 0.40460.

Submission:

Illumina Laboratory Services, Illumina
Classification: Benign for Dyskeratosis congenita. Last evaluated: 2018-01-13. Review status: criteria provided, single submitter. Criteria: ICSL Variant Classification Criteria 13 December 2019. Collection method: clinical testing. Allele origin: germline.
Comment: This variant was observed in the ICSL laboratory as part of a predisposition screen in an ostensibly healthy population. It had not been previously curated by ICSL or reported in the Human Gene Mutation Database (HGMD: prior to June 1st, 2018), and was therefore a candidate for classification through an automated scoring system. Utilizing variant allele frequency, disease prevalence and penetrance estimates, and inheritance mode, an automated score was calculated to assess if this variant is too frequent to cause the disease. Based on the score and internal cut-off values, a variant classified as benign is not then subjected to further curation. The score for this variant resulted in a classification of benign for this disease.